The following is an entry in ClinVar:

NM_000264.5(PTCH1):c.1256T>G (p.Val419Gly)

Gene: PTCH1 (patched 1; minus strand). Cytogenetic location: 9q22.32.
Variant type: single nucleotide variant.
Coding change: c.1256T>G on transcript NM_000264.5 (MANE Select); coding-DNA position 1256, T replaced by G.
Protein change: p.Val419Gly; replaces valine 419 with glycine.
Molecular consequence: missense variant. On other transcripts: non-coding transcript variant (1).
Genome position (GRCh38, 1-based): chr9:95,478,146, A>C on the plus strand (T>G on the coding strand, the complement: PTCH1 is on the minus strand). VCF-style: chr9-95478146-A-C. GRCh37 (hg19) VCF-style: chr9-98240428-A-C.
Other names: c.1058T>G, p.Val353Gly (NM_001083602.3); c.1253T>G, p.Val418Gly (NM_001083603.3); c.803T>G, p.Val268Gly (NM_001083604.3, NM_001083605.3, NM_001083606.3 and 1 more transcripts); c.1256T>G, p.Val419Gly (NM_001354918.2); short protein forms V419G, V268G, V418G, V353G.
Identifiers: ClinVar variation 1761975 (VCV001761975.6), dbSNP rs2118336970, ClinGen allele CA374118888.

ClinVar aggregate classification (germline): Uncertain significance. Review status: criteria provided, multiple submitters, no conflicts (2 of 4 stars). 2 submissions from 2 submitters: Uncertain significance (2). Last evaluated 2026-08-11.

Conditions:
Gorlin syndrome. Also called: Nevoid Basal Cell Carcinoma Syndrome; Basal cell nevus syndrome. Identifiers: Orphanet 377, MedGen C0004779, MONDO:0007187.
Hereditary cancer-predisposing syndrome. Also called: Hereditary Cancer Syndrome; Hereditary neoplastic syndrome; Neoplastic Syndromes, Hereditary; Tumor predisposition. Identifiers: Orphanet 140162, MedGen C0027672, MeSH D009386, MONDO:0015356.

Submissions (2):

Ambry Genetics
Classification: Uncertain significance for Hereditary cancer-predisposing syndrome. Last evaluated: 2026-08-11. Review status: criteria provided, single submitter. Criteria: Ambry Variant Classification Scheme 2023. Collection method: clinical testing. Allele origin: germline.
Comment: The p.V419G variant (also known as c.1256T>G), located in coding exon 9 of the PTCH1 gene, results from a T to G substitution at nucleotide position 1256. The valine at codon 419 is replaced by glycine, an amino acid with dissimilar properties. This amino acid position is conserved. In addition, this alteration is predicted to be deleterious by in silico analysis. Based on the available evidence, the clinical significance of this variant remains unclear.

Labcorp Genetics (formerly Invitae), Labcorp
Classification: Uncertain significance for Gorlin syndrome. Last evaluated: 2025-01-14. Review status: criteria provided, single submitter. Criteria: Invitae Variant Classification Sherloc (09022015). Collection method: clinical testing. Allele origin: germline.
Comment: This sequence change replaces valine, which is neutral and non-polar, with glycine, which is neutral and non-polar, at codon 419 of the PTCH1 protein (p.Val419Gly). This variant is not present in population databases (gnomAD no frequency). This variant has not been reported in the literature in individuals affected with PTCH1-related conditions. ClinVar contains an entry for this variant (Variation ID: 1761975). Invitae Evidence Modeling of protein sequence and biophysical properties (such as structural, functional, and spatial information, amino acid conservation, physicochemical variation, residue mobility, and thermodynamic stability) has been performed for this missense variant. However, the output from this modeling did not meet the statistical confidence thresholds required to predict the impact of this variant on PTCH1 protein function. In summary, the available evidence is currently insufficient to determine the role of this variant in disease. Therefore, it has been classified as a Variant of Uncertain Significance.